The following is an entry in ClinVar:

ClinVar aggregate classification (germline): Benign (1 of 4 stars; one submission).

Conditions:
Familial cancer of breast. Also called: BREAST CANCER, FAMILIAL; Hereditary breast cancer; hereditary breast carcinoma. Identifiers: Orphanet 227535, MedGen C0346153, MONDO:0016419, OMIM 114480. Disease mechanism: loss of function.

Submission:

Myriad Genetics, Inc.
Classification: Benign for Familial cancer of breast. Last evaluated: 2024-05-22. Review status: criteria provided, single submitter. Criteria: Myriad Autosomal Dominant, Autosomal Recessive and X-Linked Classification Criteria (2023). Collection method: clinical testing. Allele origin: unknown.
Comment: This variant is considered benign. This variant is a silent/synonymous amino acid change and it is not expected to impact splicing.

NM_000051.4(ATM):c.5307A>T (p.Thr1769=)

Gene: ATM (ATM serine/threonine kinase; plus strand). Cytogenetic location: 11q22.3.
Variant type: single nucleotide variant.
Coding change: c.5307A>T on transcript NM_000051.4 (MANE Select); coding-DNA position 5307, A replaced by T.
Protein change: p.Thr1769=; no amino-acid change (threonine 1769 retained).
Molecular consequence: synonymous variant.
Genome position (GRCh38, 1-based): chr11:108,301,777, A>T. VCF-style: chr11-108301777-A-T. GRCh37 (hg19) VCF-style: chr11-108172504-A-T.
Other names: c.5307A>T, p.Thr1769= (NM_001351834.2).
Identifiers: ClinVar variation 3254218 (VCV003254218.1), dbSNP rs2546974218.